The following is an entry in ClinVar:

NM_000179.3(MSH6):c.1700A>G (p.Lys567Arg)

Gene: MSH6 (mutS homolog 6; plus strand). Cytogenetic location: 2p16.3.
Variant type: single nucleotide variant.
Coding change: c.1700A>G on transcript NM_000179.3 (MANE Select); coding-DNA position 1700, A replaced by G.
Protein change: p.Lys567Arg; replaces lysine 567 with arginine.
Molecular consequence: missense variant.
Genome position (GRCh38, 1-based): chr2:47,799,683, A>G. VCF-style: chr2-47799683-A-G. GRCh37 (hg19) VCF-style: chr2-48026822-A-G.
Other names: c.1310A>G, p.Lys437Arg (NM_001281492.2); c.794A>G, p.Lys265Arg (NM_001281493.2, NM_001281494.2); short protein forms K567R, K437R, K265R.
Identifiers: ClinVar variation 628949 (VCV000628949.21), dbSNP rs1558662651, ClinGen allele CA346748495.

ClinVar aggregate classification (germline): Uncertain significance. Review status: criteria provided, multiple submitters, no conflicts (2 of 4 stars). 5 submissions from 5 submitters: Uncertain significance (5). Last evaluated 2025-10-19.

Conditions:
Hereditary cancer-predisposing syndrome. Also called: Neoplastic Syndromes, Hereditary; Tumor predisposition; Hereditary neoplastic syndrome; Hereditary Cancer Syndrome. Identifiers: Orphanet 140162, MedGen C0027672, MeSH D009386, MONDO:0015356.
Lynch syndrome. Identifiers: Orphanet 144, MedGen C4552100, MONDO:0005835. Disease mechanism: loss of function.
Hereditary nonpolyposis colorectal neoplasms. Identifiers: MedGen C0009405, MeSH D003123.

Submissions (5):

Ambry Genetics
Classification: Uncertain significance for Hereditary cancer-predisposing syndrome. Last evaluated: 2025-10-19. Review status: criteria provided, single submitter. Criteria: Ambry Variant Classification Scheme 2023. Collection method: clinical testing. Allele origin: germline.
Comment: The p.K567R variant (also known as c.1700A>G), located in coding exon 4 of the MSH6 gene, results from an A to G substitution at nucleotide position 1700. The lysine at codon 567 is replaced by arginine, an amino acid with highly similar properties. This amino acid position is not well conserved in available vertebrate species, and arginine is the reference amino acid in other vertebrate species. In addition, this alteration is predicted to be tolerated by in silico analysis. Since supporting evidence is limited at this time, the clinical significance of this alteration remains unclear.

Labcorp Genetics (formerly Invitae), Labcorp
Classification: Uncertain significance for Hereditary nonpolyposis colorectal neoplasms. Last evaluated: 2025-09-22. Review status: criteria provided, single submitter. Criteria: Invitae Variant Classification Sherloc (09022015). Collection method: clinical testing. Allele origin: germline.
Comment: This sequence change replaces lysine, which is basic and polar, with arginine, which is basic and polar, at codon 567 of the MSH6 protein (p.Lys567Arg). This variant is not present in population databases (gnomAD no frequency). This variant has not been reported in the literature in individuals affected with MSH6-related conditions. ClinVar contains an entry for this variant (Variation ID: 628949). Invitae Evidence Modeling of protein sequence and biophysical properties (such as structural, functional, and spatial information, amino acid conservation, physicochemical variation, residue mobility, and thermodynamic stability) indicates that this missense variant is not expected to disrupt MSH6 protein function with a negative predictive value of 95%. In summary, the available evidence is currently insufficient to determine the role of this variant in disease. Therefore, it has been classified as a Variant of Uncertain Significance.

All of Us Research Program, National Institutes of Health
Classification: Uncertain significance for Lynch syndrome. Last evaluated: 2024-07-10. Review status: criteria provided, single submitter. Criteria: ACMG Guidelines, 2015. Collection method: clinical testing. Allele origin: germline. Inheritance: Autosomal dominant inheritance. Observed: 1 variant allele, 1 heterozygote.
Comment: This missense variant replaces lysine with arginine at codon 567 of the MSH6 protein. Computational prediction suggests that this variant may not impact protein structure and function (internally defined REVEL score threshold <= 0.5, PMID: 27666373). Splice site prediction tools suggest that this variant may not impact RNA splicing. To our knowledge, functional studies have not been performed for this variant. This variant has not been reported in individuals affected with hereditary cancer in the literature. This variant has not been identified in the general population by the Genome Aggregation Database (gnomAD). The available evidence is insufficient to determine the role of this variant in disease conclusively. Therefore, this variant is classified as a Variant of Uncertain Significance.

This study involves interpretation of variants in research participants for the purpose of population health screening. Participant phenotype was not available at the time of variant classification. Additional details can be found in publication PMID: 35346344, PMCID: PMC8962531

Color Diagnostics, LLC DBA Color Health
Classification: Uncertain significance for Hereditary cancer-predisposing syndrome. Last evaluated: 2024-03-06. Review status: criteria provided, single submitter. Criteria: ACMG Guidelines, 2015. Collection method: clinical testing. Allele origin: germline.
Comment: This missense variant replaces lysine with arginine at codon 567 of the MSH6 protein. Computational prediction suggests that this variant may not impact protein structure and function (internally defined REVEL score threshold <= 0.5, PMID: 27666373). Splice site prediction tools suggest that this variant may not impact RNA splicing. To our knowledge, functional studies have not been performed for this variant. This variant has not been reported in individuals affected with hereditary cancer in the literature. This variant has not been identified in the general population by the Genome Aggregation Database (gnomAD). The available evidence is insufficient to determine the role of this variant in disease conclusively. Therefore, this variant is classified as a Variant of Uncertain Significance.

Women's Health and Genetics/Laboratory Corporation of America, LabCorp
Classification: Uncertain significance. Last evaluated: 2019-08-08. Review status: criteria provided, single submitter. Criteria: LabCorp Variant Classification Summary - May 2015. Collection method: clinical testing. Allele origin: germline.
Comment: Variant summary: MSH6 c.1700A>G (p.Lys567Arg) results in a conservative amino acid change located in the DNA mismatch repair protein MutS, connector domain (IPR007860) of the encoded protein sequence. Four of five in-silico tools predict a benign effect of the variant on protein function. The variant was absent in 250270 control chromosomes (gnomAD). The available data on variant occurrences in the general population are insufficient to allow any conclusion about variant significance. To our knowledge, no occurrence of c.1700A>G in individuals affected with Hereditary Non-Polyposis Colon Cancer and no experimental evidence demonstrating its impact on protein function have been reported. One ClinVar submission (evaluation after 2014) classified the variant as uncertain significance. Based on the evidence outlined above, the variant was classified as uncertain significance.